The following is an entry in ClinVar:

ClinVar aggregate classification (germline): Benign/Likely benign. Review status: criteria provided, multiple submitters, no conflicts (2 of 4 stars). 4 submissions from 4 submitters: Benign (1); Likely benign (3). Last evaluated 2025-03-19.

Conditions:
Juvenile polyposis syndrome (JPS). Identifiers: Orphanet 2929, MedGen C0345893, MONDO:0017380, OMIM 174900.
Hereditary cancer-predisposing syndrome. Also called: Hereditary neoplastic syndrome; Tumor predisposition; Neoplastic Syndromes, Hereditary; Hereditary Cancer Syndrome. Identifiers: Orphanet 140162, MedGen C0027672, MeSH D009386, MONDO:0015356.
Familial thoracic aortic aneurysm and aortic dissection (TAAD). Also called: Thoracic aortic aneurysms and dissections. Identifiers: Orphanet 91387, MedGen C4707243, MONDO:0019625.
Juvenile polyposis/hereditary hemorrhagic telangiectasia syndrome (JPHT). Also called: Juvenile Polyposis Syndrome / Hereditary Hemorrhagic Telangiectasia (JPS/HHT); JP/HHT SYNDROME; JUVENILE POLYPOSIS WITH HEREDITARY HEMORRHAGIC TELANGIECTASIA; POLYPOSIS, GENERALIZED JUVENILE, WITH PULMONARY ARTERIOVENOUS MALFORMATION; TELANGIECTASIA, HEREDITARY HEMORRHAGIC, WITH JUVENILE POLYPOSIS COLI. Identifiers: Orphanet 2929, MedGen C1832942, MONDO:0008278, OMIM 175050.

Allele frequency attached by ClinVar (database versions not stated): gnomAD exomes below 0.00001; ExAC 0.00001; gnomAD 0.00001.
gnomAD v4.1: 2 of 1,613,860 alleles (0.00012%); highest among the groups gnomAD compares: African/African-American, 0.0013%; no homozygotes.

Submissions (4):

Myriad Genetics, Inc.
Classification: Benign for Juvenile polyposis/hereditary hemorrhagic telangiectasia syndrome. Last evaluated: 2025-03-19. Review status: criteria provided, single submitter. Criteria: Myriad Autosomal Dominant, Autosomal Recessive and X-Linked Classification Criteria (2023). Collection method: clinical testing. Allele origin: unknown.
Comment: This variant is considered benign. This variant is a silent/synonymous amino acid change and it is not expected to impact splicing.

Labcorp Genetics (formerly Invitae), Labcorp
Classification: Likely benign for Juvenile polyposis syndrome. Last evaluated: 2024-04-27. Review status: criteria provided, single submitter. Criteria: Invitae Variant Classification Sherloc (09022015). Collection method: clinical testing. Allele origin: germline.

Ambry Genetics
Classification: Likely benign for Hereditary cancer-predisposing syndrome; Familial thoracic aortic aneurysm and aortic dissection. Last evaluated: 2018-10-03. Review status: criteria provided, single submitter. Criteria: Ambry Variant Classification Scheme 2023. Collection method: clinical testing. Allele origin: germline.

Color Diagnostics, LLC DBA Color Health
Classification: Likely benign for Hereditary cancer-predisposing syndrome. Last evaluated: 2017-07-28. Review status: criteria provided, single submitter. Criteria: ACMG Guidelines, 2015. Collection method: clinical testing. Allele origin: germline.

NM_005359.6(SMAD4):c.519C>T (p.Ser173=)

Gene: SMAD4 (SMAD family member 4; plus strand). Cytogenetic location: 18q21.2.
Variant type: single nucleotide variant.
Coding change: c.519C>T on transcript NM_005359.6 (MANE Select); coding-DNA position 519, C replaced by T.
Protein change: p.Ser173=; no amino-acid change (serine 173 retained).
Molecular consequence: synonymous variant.
Genome position (GRCh38, 1-based): chr18:51,054,845, C>T. VCF-style: chr18-51054845-C-T. GRCh37 (hg19) VCF-style: chr18-48581215-C-T.
Identifiers: ClinVar variation 492483 (VCV000492483.15), dbSNP rs778576111, ClinGen allele CA8965825.